The following is an entry in ClinVar:

NM_015506.3(MMACHC):c.728del (p.Pro243fs)

Gene: MMACHC (metabolism of cobalamin associated C; plus strand). Cytogenetic location: 1p34.1.
Variant type: Deletion.
Coding change: c.728del on transcript NM_015506.3 (MANE Select); coding-DNA position 728, one base deleted (C; older notation c.728delC).
Protein change: p.Pro243fs; shifts the reading frame from proline 243.
Molecular consequence: frameshift variant.
Genome position (GRCh38, 1-based): chr1:45,509,094, C deleted; the last of 2 consecutive C bases (chr1:45,509,093-45,509,094); deleting either gives the same sequence. VCF-style (leftmost placement, unchanged base first): chr1-45509092-GC-G. GRCh37 (hg19) VCF-style: chr1-45974764-GC-G.
Other names: c.557del, p.Pro186fs (NM_001330540.2); short protein forms P243fs, P186fs.
Identifiers: ClinVar variation 550988 (VCV000550988.5), dbSNP rs1409915649, ClinGen allele CA658821035.

ClinVar aggregate classification (germline): Conflicting classifications of pathogenicity. Review status: criteria provided, conflicting classifications (1 of 4 stars). 3 submissions from 3 submitters: Likely pathogenic (1); Uncertain significance (1). 1 of the submissions does not count toward it. Last evaluated 2025-06-17.

Conditions:
Cobalamin C disease. Also called: Methylmalonic aciduria with homocystinuria cblC type; Methylmalonic aciduria and homocystinuria, Vitamin B12-responsive; Vitamin B12 metabolic defect with combined deficiency of methylmalonyl-CoA mutase and homocysteine:methyltetrahydrofolate methyltransferase; methylmalonic aciduria and homocystinuria type cblC; Cobalamin-C methylmalonic acidemia and homocystinuria; Methylmalonic acidemia and homocystinuria cblC type. Identifiers: Orphanet 26, Orphanet 79282, MedGen C1848561, MONDO:0010184, OMIM 277400.

Submissions (3):

Natera, Inc.
Classification: Likely pathogenic for Methylmalonic aciduria and homocystinuria cblC type. Last evaluated: 2025-06-17. Review status: criteria provided, single submitter. Criteria: Natera Variant Classification Schema (03/2026). Collection method: clinical testing. Allele origin: germline.
Comment: The c.728delC variant in MMACHC is a frameshift variant predicted to elongate the protein beyond the termination codon. This variant is expected to result in nonsense mediated decay, truncation, or a dysfunctional protein product. This variant is rare in the general population with a frequency below the threshold expected for the associated phenotype(s). Given the available evidence, this variant is classified as Likely Pathogenic.

Baylor Genetics
Classification: Uncertain significance for Cobalamin C disease. Last evaluated: 2024-01-08. Review status: criteria provided, single submitter. Criteria: ACMG Guidelines, 2015. Collection method: clinical testing. Allele origin: unknown.

Counsyl
Classification: Uncertain significance for Cobalamin C disease. Last evaluated: 2017-03-06. Review status: no assertion criteria provided. Collection method: clinical testing. Allele origin: unknown. Not counted in ClinVar's aggregate classification.